The following is an entry in ClinVar:

NM_001286.5(CLCN6):c.515C>T (p.Pro172Leu)

Gene: CLCN6 (Cl-/H+ antiporter 6; plus strand). Cytogenetic location: 1p36.22.
Variant type: single nucleotide variant.
Coding change: c.515C>T on transcript NM_001286.5 (MANE Select); coding-DNA position 515, C replaced by T.
Protein change: p.Pro172Leu; replaces proline 172 with leucine.
Molecular consequence: missense variant. On other transcripts: non-coding transcript variant (1).
Genome position (GRCh38, 1-based): chr1:11,823,768, C>T. VCF-style: chr1-11823768-C-T. GRCh37 (hg19) VCF-style: chr1-11883825-C-T.
Other names: c.449C>T, p.Pro150Leu (NM_001256959.2); short protein forms P150L, P172L.
Identifiers: ClinVar variation 1510500 (VCV001510500.7), dbSNP rs141347788, ClinGen allele CA596111.
Genomic context (GRCh38, chr1:11,823,768, plus strand): 5'-CGGTGGCAGCAGGTTCCGGGATACCCGAGGTCAAATGCTATCTGAATGGCGTAAAGGTGC[C>T]AGGAATCGTCCGTCTCCGGACCCTGCTCTGCAAGGTCCTTGGAGTGCTGTTCAGTGTGGC-3'
Protein context (NP_001277.2, residues 162-182): VKCYLNGVKV[Pro172Leu]GIVRLRTLLC

ClinVar aggregate classification (germline): Uncertain significance. Review status: criteria provided, multiple submitters, no conflicts (2 of 4 stars). 2 submissions from 2 submitters: Uncertain significance (2). Last evaluated 2025-08-04.

Allele frequency attached by ClinVar (database versions not stated): gnomAD exomes below 0.00001 and 0.00001; gnomAD 0.00012; ESP Exome Variant Server 0.00023; ExAC 0.00002; TOPMed 0.00007.
gnomAD v4.1: 25 of 1,614,252 alleles (0.0015%); highest among the groups gnomAD compares: African/African-American, 0.032%; no homozygotes.

Submissions (2):

Labcorp Genetics (formerly Invitae), Labcorp
Classification: Uncertain significance. Last evaluated: 2025-08-04. Review status: criteria provided, single submitter. Criteria: Invitae Variant Classification Sherloc (09022015). Collection method: clinical testing. Allele origin: germline.
Comment: This sequence change replaces proline, which is neutral and non-polar, with leucine, which is neutral and non-polar, at codon 172 of the CLCN6 protein (p.Pro172Leu). This variant is present in population databases (rs141347788, gnomAD 0.04%). This variant has not been reported in the literature in individuals affected with CLCN6-related conditions. ClinVar contains an entry for this variant (Variation ID: 1510500). An algorithm developed to predict the effect of missense changes on protein structure and function (PolyPhen-2) suggests that this variant is likely to be disruptive. In summary, the available evidence is currently insufficient to determine the role of this variant in disease. Therefore, it has been classified as a Variant of Uncertain Significance.

Breakthrough Genomics
Classification: Uncertain significance. Review status: criteria provided, single submitter. Criteria: ACMG Guidelines, 2015. Collection method: not provided. Allele origin: germline. Inheritance: Autosomal dominant inheritance. Affected: yes.